The following is an entry in ClinVar:

ClinVar aggregate classification (germline): Pathogenic (1 of 4 stars; one submission).

Conditions:
Glycine encephalopathy. Also called: Nonketotic hyperglycinemia; Non-ketotic hyperglycinemia. Identifiers: Orphanet 407, MedGen C0751748, MONDO:0011612, HP:0008288.

Submission:

Labcorp Genetics (formerly Invitae), Labcorp
Classification: Pathogenic for Glycine encephalopathy. Last evaluated: 2024-10-23. Review status: criteria provided, single submitter. Criteria: Invitae Variant Classification Sherloc (09022015). Collection method: clinical testing. Allele origin: germline.
Comment: This sequence change creates a premature translational stop signal (p.Pro70Leufs*21) in the GLDC gene. It is expected to result in an absent or disrupted protein product. Loss-of-function variants in GLDC are known to be pathogenic (PMID: 16601880). This variant is not present in population databases (gnomAD no frequency). This variant has not been reported in the literature in individuals affected with GLDC-related conditions. ClinVar contains an entry for this variant (Variation ID: 2038543). For these reasons, this variant has been classified as Pathogenic.

Literature cited by the submitters: PubMed 16601880.

NM_000170.3(GLDC):c.209del (p.Pro70fs)

Gene: GLDC (glycine decarboxylase; minus strand). Cytogenetic location: 9p24.1.
Variant type: Deletion.
Coding change: c.209del on transcript NM_000170.3 (MANE Select); coding-DNA position 209, one base deleted (C; older notation c.209delC).
Protein change: p.Pro70fs; shifts the reading frame from proline 70.
Molecular consequence: frameshift variant.
Genome position (GRCh38, 1-based): chr9:6,645,291, G deleted on the plus strand (C on the coding strand, the reverse complement: GLDC is on the minus strand); the first of 3 consecutive G bases (chr9:6,645,291-6,645,293); deleting any one gives the same sequence. VCF-style (leftmost placement, unchanged base first): chr9-6645290-AG-A. GRCh37 (hg19) VCF-style: chr9-6645290-AG-A.
Other names: short protein forms P70fs.
Identifiers: ClinVar variation 2038543 (VCV002038543.4), dbSNP rs2489162390, ClinGen allele CA2580080246.